The following is an entry in ClinVar:

ClinVar aggregate classification (germline): Pathogenic (1 of 4 stars; one submission).

Conditions:
Breast-ovarian cancer, familial, susceptibility to, 4. Identifiers: Orphanet 145, MedGen C3280345, MONDO:0013669, OMIM 614291.

Submission:

Labcorp Genetics (formerly Invitae), Labcorp
Classification: Pathogenic for Breast-ovarian cancer, familial, susceptibility to, 4. Last evaluated: 2023-08-24. Review status: criteria provided, single submitter. Criteria: Invitae Variant Classification Sherloc (09022015). Collection method: clinical testing. Allele origin: germline.
Comment: This sequence change creates a premature translational stop signal (p.Leu36Trpfs*4) in the RAD51D gene. It is expected to result in an absent or disrupted protein product. Loss-of-function variants in RAD51D are known to be pathogenic (PMID: 21822267). This variant is not present in population databases (gnomAD no frequency). This variant has not been reported in the literature in individuals affected with RAD51D-related conditions. For these reasons, this variant has been classified as Pathogenic.

Literature cited by the submitters: PubMed 21822267.

NM_002878.4(RAD51D):c.106del (p.Leu36fs)

Genes: RAD51L3-RFFL (RAD51L3-RFFL readthrough; minus strand), RAD51D (RAD51 paralog D; minus strand). Cytogenetic location: 17q12.
Variant type: Deletion.
Coding change: c.106del on transcript NM_002878.4 (MANE Select); coding-DNA position 106, one base deleted (C; older notation c.106delC).
Protein change: p.Leu36fs; shifts the reading frame from leucine 36.
Molecular consequence: frameshift variant. On other transcripts: non-coding transcript variant (2).
Genome position (GRCh38, 1-based): chr17:35,119,149, G deleted on the plus strand (C on the coding strand, the reverse complement: RAD51D is on the minus strand); the first of 2 consecutive G bases (chr17:35,119,149-35,119,150); deleting either gives the same sequence. VCF-style (leftmost placement, unchanged base first): chr17-35119148-AG-A. GRCh37 (hg19) VCF-style: chr17-33446167-AG-A.
Other names: c.106del, p.Leu36fs (NM_001142571.2, NM_133629.3); short protein forms L36fs.
Identifiers: ClinVar variation 2754896 (VCV002754896.3), dbSNP rs2509185640, ClinGen allele CA2697559753.
Genomic context (GRCh38, chr17:35,119,148, plus strand): 5'-GAATGTGGAGATCAGGAGCTCACCTTGTAAGACAAGCCACATTTCTGAGCTACCTCTTCC[AG>A]GTCTGCAGAAACCAGGTCCACCACTGAAAACAAAACACGTATAGCGGATTGGCAGAGAGG-3'